The following is an entry in ClinVar:

ClinVar aggregate classification (germline): Uncertain significance (1 of 4 stars; one submission).

Conditions:
Megaconial type congenital muscular dystrophy (MDCMC). Also called: CHKB-Related Muscular Dystrophy; CHKB-Related Muscle Diseases; MUSCULAR DYSTROPHY, CONGENITAL, WITH MITOCHONDRIAL STRUCTURAL ABNORMALITIES. Identifiers: Orphanet 280671, MedGen C1865233, MONDO:0011246, OMIM 602541.

Allele frequency attached by ClinVar (database versions not stated): gnomAD exomes below 0.00001.
gnomAD v4.1: 1 of 1,613,990 alleles (0.000062%); highest among the groups gnomAD compares: Non-Finnish European, 0.000085%; no homozygotes.

Submission:

Labcorp Genetics (formerly Invitae), Labcorp
Classification: Uncertain significance for Megaconial type congenital muscular dystrophy. Last evaluated: 2022-10-17. Review status: criteria provided, single submitter. Criteria: Invitae Variant Classification Sherloc (09022015). Collection method: clinical testing. Allele origin: germline.
Comment: This sequence change replaces isoleucine, which is neutral and non-polar, with valine, which is neutral and non-polar, at codon 167 of the CHKB protein (p.Ile167Val). In summary, the available evidence is currently insufficient to determine the role of this variant in disease. Therefore, it has been classified as a Variant of Uncertain Significance. Advanced modeling of protein sequence and biophysical properties (such as structural, functional, and spatial information, amino acid conservation, physicochemical variation, residue mobility, and thermodynamic stability) performed at Invitae indicates that this missense variant is not expected to disrupt CHKB protein function. ClinVar contains an entry for this variant (Variation ID: 1359395). This variant has not been reported in the literature in individuals affected with CHKB-related conditions. This variant is not present in population databases (gnomAD no frequency).

NM_005198.5(CHKB):c.499A>G (p.Ile167Val)

Genes: CHKB-CPT1B (CHKB-CPT1B readthrough (NMD candidate); minus strand), CHKB (choline kinase beta; minus strand). Cytogenetic location: 22q13.33.
Variant type: single nucleotide variant.
Coding change: c.499A>G on transcript NM_005198.5 (MANE Select); coding-DNA position 499, A replaced by G.
Protein change: p.Ile167Val; replaces isoleucine 167 with valine.
Molecular consequence: missense variant. On other transcripts: non-coding transcript variant (1).
Genome position (GRCh38, 1-based): chr22:50,581,502, T>C on the plus strand (A>G on the coding strand, the complement: CHKB is on the minus strand). VCF-style: chr22-50581502-T-C. GRCh37 (hg19) VCF-style: chr22-51019931-T-C.
Other names: short protein forms I167V.
Identifiers: ClinVar variation 1359395 (VCV001359395.8), dbSNP rs2146656161, ClinGen allele CA412200725.